The following is an entry in ClinVar:

NM_005450.6(NOG):c.492G>C (p.Leu164=)

Gene: NOG (noggin; plus strand). Cytogenetic location: 17q22.
Variant type: single nucleotide variant.
Coding change: c.492G>C on transcript NM_005450.6 (MANE Select); coding-DNA position 492, G replaced by C.
Protein change: p.Leu164=; no amino-acid change (leucine 164 retained).
Molecular consequence: synonymous variant.
Genome position (GRCh38, 1-based): chr17:56,594,715, G>C. VCF-style: chr17-56594715-G-C. GRCh37 (hg19) VCF-style: chr17-54672076-G-C.
Identifiers: ClinVar variation 3612135 (VCV003612135.2).
Genomic context (GRCh38, chr17:56,594,715, plus strand): 5'-GTTACAGATGTGGCTGTGGTCGCAGACATTCTGCCCCGTGCTGTACGCGTGGAACGACCT[G>C]GGCAGCCGCTTTTGGCCGCGCTACGTGAAGGTGGGCAGCTGCTTCAGTAAGCGCTCGTGC-3'
Protein context (NP_005441.1, residues 154-174): FCPVLYAWND[Leu164=]GSRFWPRYVK

ClinVar aggregate classification (germline): Uncertain significance (1 of 4 stars; one submission).

Submission:

Labcorp Genetics (formerly Invitae), Labcorp
Classification: Uncertain significance. Last evaluated: 2024-09-22. Review status: criteria provided, single submitter. Criteria: Invitae Variant Classification Sherloc (09022015). Collection method: clinical testing. Allele origin: germline.
Comment: This sequence change affects codon 164 of the NOG mRNA. It is a 'silent' change, meaning that it does not change the encoded amino acid sequence of the NOG protein. This variant is not present in population databases (gnomAD no frequency). This variant has not been reported in the literature in individuals affected with NOG-related conditions. In summary, the available evidence is currently insufficient to determine the role of this variant in disease. Therefore, it has been classified as a Variant of Uncertain Significance.